The following is an entry in ClinVar:

NM_020778.5(ALPK3):c.709G>A (p.Val237Ile)

Gene: ALPK3 (alpha kinase 3; plus strand). Cytogenetic location: 15q25.3.
Variant type: single nucleotide variant.
Coding change: c.709G>A on transcript NM_020778.5 (MANE Select); coding-DNA position 709, G replaced by A.
Protein change: p.Val237Ile; replaces valine 237 with isoleucine.
Molecular consequence: missense variant.
Genome position (GRCh38, 1-based): chr15:84,839,988, G>A. VCF-style: chr15-84839988-G-A. GRCh37 (hg19) VCF-style: chr15-85383219-G-A.
Other names: short protein forms V237I.
Identifiers: ClinVar variation 2563937 (VCV002563937.2), dbSNP rs767299689, ClinGen allele CA393373343.

ClinVar aggregate classification (germline): Uncertain significance (1 of 4 stars; one submission).

Conditions:
Cardiovascular phenotype. Identifiers: MedGen CN230736.

gnomAD v4.1: 4 of 1,613,198 alleles (0.00025%); highest among the groups gnomAD compares: Non-Finnish European, 0.00034%; no homozygotes.

Submission:

Ambry Genetics
Classification: Uncertain significance for Cardiovascular phenotype. Last evaluated: 2023-03-31. Review status: criteria provided, single submitter. Criteria: Ambry Variant Classification Scheme 2023. Collection method: clinical testing. Allele origin: germline.
Comment: The p.V439I variant (also known as c.1315G>A), located in coding exon 5 of the ALPK3 gene, results from a G to A substitution at nucleotide position 1315. The valine at codon 439 is replaced by isoleucine, an amino acid with highly similar properties. This amino acid position is conserved. In addition, this alteration is predicted to be tolerated by in silico analysis. Since supporting evidence is limited at this time, the clinical significance of this alteration remains unclear.